The following is an entry in ClinVar:

NM_175914.5(HNF4A):c.*1089del

Gene: HNF4A (hepatocyte nuclear factor 4 alpha; plus strand). Cytogenetic location: 20q13.12.
Variant type: Deletion.
Coding change: c.*1089del on transcript NM_175914.5 (MANE Select); 1089 bases downstream of the stop codon, one base deleted (G; older notation c.*1089delG).
Molecular consequence: 3 prime UTR variant.
Genome position (GRCh38, 1-based): chr20:44,430,754, G deleted; the last of 3 consecutive G bases (chr20:44,430,752-44,430,754); deleting any one gives the same sequence. VCF-style (leftmost placement, unchanged base first): chr20-44430751-CG-C. GRCh37 (hg19) VCF-style: chr20-43059391-CG-C.
Other names: c.*1089del (NM_000457.6, NM_001030003.3, NM_001258355.2 and 3 more transcripts).
Identifiers: ClinVar variation 338454 (VCV000338454.6), dbSNP rs749515492, ClinGen allele CA10643900.

ClinVar aggregate classification (germline): Uncertain significance (1 of 4 stars; one submission).

Conditions:
Maturity-onset diabetes of the young (MODY). Also called: Maturity onset diabetes mellitus in young. Identifiers: Orphanet 552, MedGen C0342276, MONDO:0018911, HP:0004904.

Submission:

Clinical Genomics, Uppaluri K&H Personalized Medicine Clinic
Classification: Uncertain significance for Maturity-onset diabetes of the young. Review status: criteria provided, single submitter. Criteria: K & H Uppaluri Personalized Medicine Clinic Variant Classification & Assertion Criteria_Updated V.1. Collection method: research. Allele origin: unknown. Inheritance: Autosomal dominant inheritance.
Comment: Potent mutations in HNF4A are associated with poor insulin secretion in response to hyperglycemia. Associated with MODY1. Patients initially respond well to sulfonylureas but eventually become insulin dependent. However, more evidence is required to ascertain the role of this particular variant rs749515492 in MODY, yet.

Literature cited by the submitters: DOI 10.1159/000334532; PubMed 18268044; PubMed 17563455; PubMed 32583173; PubMed 35052457; PubMed 35118593.